The following is an entry in ClinVar:

ClinVar aggregate classification (germline): Uncertain significance (1 of 4 stars; one submission).

Submission:

Labcorp Genetics (formerly Invitae), Labcorp
Classification: Uncertain significance. Last evaluated: 2022-05-06. Review status: criteria provided, single submitter. Criteria: Invitae Variant Classification Sherloc (09022015). Collection method: clinical testing. Allele origin: germline.
Comment: This sequence change replaces aspartic acid, which is acidic and polar, with glutamic acid, which is acidic and polar, at codon 936 of the CACNA2D4 protein (p.Asp936Glu). In summary, the available evidence is currently insufficient to determine the role of this variant in disease. Therefore, it has been classified as a Variant of Uncertain Significance. Algorithms developed to predict the effect of missense changes on protein structure and function are either unavailable or do not agree on the potential impact of this missense change (SIFT: "Deleterious"; PolyPhen-2: "Probably Damaging"; Align-GVGD: "Class C0"). This variant has not been reported in the literature in individuals affected with CACNA2D4-related conditions. This variant is not present in population databases (gnomAD no frequency).

NM_172364.5(CACNA2D4):c.2808C>G (p.Asp936Glu)

Gene: CACNA2D4 (calcium voltage-gated channel auxiliary subunit alpha2delta 4; minus strand). Cytogenetic location: 12p13.33.
Variant type: single nucleotide variant.
Coding change: c.2808C>G on transcript NM_172364.5 (MANE Select); coding-DNA position 2808, C replaced by G.
Protein change: p.Asp936Glu; replaces aspartic acid 936 with glutamic acid.
Molecular consequence: missense variant.
Genome position (GRCh38, 1-based): chr12:1,801,103, G>C on the plus strand (C>G on the coding strand, the complement: CACNA2D4 is on the minus strand). VCF-style: chr12-1801103-G-C. GRCh37 (hg19) VCF-style: chr12-1910269-G-C.
Other names: short protein forms D936E.
Identifiers: ClinVar variation 2120220 (VCV002120220.4), dbSNP rs753233835, ClinGen allele CA383349230.